The following is an entry in ClinVar:

NM_000077.5(CDKN2A):c.55G>T (p.Ala19Ser)

Gene: CDKN2A (cyclin dependent kinase inhibitor 2A; minus strand). Cytogenetic location: 9p21.3.
Variant type: single nucleotide variant.
Coding change: c.55G>T on transcript NM_000077.5; coding-DNA position 55, G replaced by T.
Protein change: p.Ala19Ser; replaces alanine 19 with serine.
Molecular consequence: missense variant (on NM_000077.6). On other transcripts: intron variant (2).
Genome position (GRCh38, 1-based): chr9:21,974,773, C>A on the plus strand (G>T on the coding strand, the complement: CDKN2A is on the minus strand). VCF-style: chr9-21974773-C-A. GRCh37 (hg19) VCF-style: chr9-21974772-C-A.
Other names: c.55G>T, p.Ala19Ser (NM_000077.6, NM_001195132.2, NM_058197.5); c.-3-3565G>T (NM_001363763.2); c.194-3565G>T (NM_058195.4); short protein forms A19S.
Identifiers: ClinVar variation 1041797 (VCV001041797.8), dbSNP rs1819957749, ClinGen allele CA373086639.

ClinVar aggregate classification (germline): Uncertain significance (1 of 4 stars; one submission).

Conditions:
Familial melanoma. Also called: Hereditary melanoma; Hereditary cutaneous melanoma. Identifiers: Orphanet 618, MedGen C1512419, MONDO:0018961.

Allele frequency attached by ClinVar (database versions not stated): TOPMed below 0.00001.

Submission:

Labcorp Genetics (formerly Invitae), Labcorp
Classification: Uncertain significance for Familial melanoma. Last evaluated: 2020-05-24. Review status: criteria provided, single submitter. Criteria: Invitae Variant Classification Sherloc (09022015). Collection method: clinical testing. Allele origin: germline.
Comment: In summary, the available evidence is currently insufficient to determine the role of this variant in disease. Therefore, it has been classified as a Variant of Uncertain Significance. Algorithms developed to predict the effect of missense changes on protein structure and function are either unavailable or do not agree on the potential impact of this missense change (SIFT: "Deleterious"; PolyPhen-2: "Possibly Damaging"; Align-GVGD: "Class C0"). This variant has not been reported in the literature in individuals with CDKN2A (p16INK4a)-related conditions. This variant is not present in population databases (ExAC no frequency). This sequence change replaces alanine with serine at codon 19 of the CDKN2A (p16INK4a) protein (p.Ala19Ser). The alanine residue is moderately conserved and there is a moderate physicochemical difference between alanine and serine.